The following is an entry in ClinVar:

ClinVar aggregate classification (germline): Uncertain significance (1 of 4 stars; one submission).

Submission:

Women's Health and Genetics/Laboratory Corporation of America, LabCorp
Classification: Uncertain significance. Last evaluated: 2020-03-10. Review status: criteria provided, single submitter. Criteria: LabCorp Variant Classification Summary - May 2015. Collection method: clinical testing. Allele origin: germline.
Comment: Variant summary: LDLRAP1 c.48C>G (p.Ser16Arg) results in a non-conservative amino acid change in the encoded protein sequence. Three of five in-silico tools predict a benign effect of the variant on protein function. The variant was absent in 30764 control chromosomes. The available data on variant occurrences in the general population are insufficient to allow any conclusion about variant significance. To our knowledge, no occurrence of c.48C>G in individuals affected with Early Onset Coronary Artery Disease and no experimental evidence demonstrating its impact on protein function have been reported. No clinical diagnostic laboratories have submitted clinical-significance assessments for this variant to ClinVar after 2014. Based on the evidence outlined above, the variant was classified as uncertain significance.

NM_015627.3(LDLRAP1):c.48C>G (p.Ser16Arg)

Genes: LDLRAP1 (low density lipoprotein receptor adaptor protein 1; plus strand), LOC129929773 (ATAC-STARR-seq lymphoblastoid silent region 456; plus strand). Cytogenetic location: 1p36.11.
Variant type: single nucleotide variant.
Coding change: c.48C>G on transcript NM_015627.3 (MANE Select); coding-DNA position 48, C replaced by G.
Protein change: p.Ser16Arg; replaces serine 16 with arginine.
Molecular consequence: missense variant.
Genome position (GRCh38, 1-based): chr1:25,543,746, C>G. VCF-style: chr1-25543746-C-G. GRCh37 (hg19) VCF-style: chr1-25870237-C-G.
Other names: short protein forms S16R.
Identifiers: ClinVar variation 918122 (VCV000918122.1), dbSNP rs2043858170, ClinGen allele CA339076616.